The following is an entry in ClinVar:

ClinVar aggregate classification (germline): Uncertain significance (1 of 4 stars; one submission).

Conditions:
Cardiovascular phenotype. Identifiers: MedGen CN230736.

Submission:

Ambry Genetics
Classification: Uncertain significance for Cardiovascular phenotype. Last evaluated: 2024-11-13. Review status: criteria provided, single submitter. Criteria: Ambry Variant Classification Scheme 2023. Collection method: clinical testing. Allele origin: germline.
Comment: The p.R201W variant (also known as c.601A>T), located in coding exon 6 of the NEXN gene, results from an A to T substitution at nucleotide position 601. The arginine at codon 201 is replaced by tryptophan, an amino acid with dissimilar properties. This amino acid position is conserved. In addition, this alteration is predicted to be tolerated by in silico analysis. Based on the available evidence, the clinical significance of this variant remains unclear.

NM_144573.4(NEXN):c.601A>T (p.Arg201Trp)

Gene: NEXN (nexilin F-actin binding protein; plus strand). Cytogenetic location: 1p31.1.
Variant type: single nucleotide variant.
Coding change: c.601A>T on transcript NM_144573.4 (MANE Select); coding-DNA position 601, A replaced by T.
Protein change: p.Arg201Trp; replaces arginine 201 with tryptophan.
Molecular consequence: missense variant.
Genome position (GRCh38, 1-based): chr1:77,926,525, A>T. VCF-style: chr1-77926525-A-T. GRCh37 (hg19) VCF-style: chr1-78392210-A-T.
Other names: c.409A>T, p.Arg137Trp (NM_001172309.2); short protein forms R137W, R201W.
Identifiers: ClinVar variation 3404569 (VCV003404569.1).